The following is an entry in ClinVar:

ClinVar aggregate classification (germline): Pathogenic (1 of 4 stars; one submission).

Conditions:
Optic neuropathy. Also called: Optic nerve disorder. Identifiers: MedGen C3887709, MONDO:0002135, HP:0001138.

Submission:

North West Genomic Laboratory Hub, Manchester University NHS Foundation Trust
Classification: Pathogenic for Optic neuropathy. Last evaluated: 2025-05-28. Review status: criteria provided, single submitter. Criteria: ACGS Best Practice Guidelines for Variant Classification in Rare Disease 2024. Collection method: clinical testing. Allele origin: germline. Affected: yes.
Comment: PVS1_VStr PM2_Mod

NM_130837.3(OPA1):c.2075del (p.Tyr692fs)

Gene: OPA1 (OPA1 mitochondrial dynamin like GTPase; plus strand). Cytogenetic location: 3q29.
Variant type: Deletion.
Coding change: c.2075del on transcript NM_130837.3 (MANE Select); coding-DNA position 2075, one base deleted (A; older notation c.2075delA).
Protein change: p.Tyr692fs; shifts the reading frame from tyrosine 692.
Molecular consequence: frameshift variant.
Genome position (GRCh38, 1-based): chr3:193,654,924, A deleted. VCF-style (leftmost placement, unchanged base first): chr3-193654923-TA-T. GRCh37 (hg19) VCF-style: chr3-193372712-TA-T.
Other names: c.1541del, p.Tyr514fs (NM_001354663.2); c.1538del, p.Tyr513fs (NM_001354664.2); c.1910del, p.Tyr637fs (NM_015560.3); c.1802del, p.Tyr601fs (NM_130831.3); c.1856del, p.Tyr619fs (NM_130832.3); c.1913del, p.Tyr638fs (NM_130833.3); c.1964del, p.Tyr655fs (NM_130834.3); c.1967del, p.Tyr656fs (NM_130835.3); and 1 more; short protein forms Y513fs, Y514fs, Y601fs, Y619fs, Y637fs, Y638fs, Y655fs, Y656fs.
Identifiers: ClinVar variation 4820578 (VCV004820578.1).